The following is an entry in ClinVar:

NM_000391.4(TPP1):c.1190T>G (p.Phe397Cys)

Gene: TPP1 (tripeptidyl peptidase 1; minus strand). Cytogenetic location: 11p15.4.
Variant type: single nucleotide variant.
Coding change: c.1190T>G on transcript NM_000391.4 (MANE Select); coding-DNA position 1190, T replaced by G.
Protein change: p.Phe397Cys; replaces phenylalanine 397 with cysteine.
Molecular consequence: missense variant.
Genome position (GRCh38, 1-based): chr11:6,615,518, A>C on the plus strand (T>G on the coding strand, the complement: TPP1 is on the minus strand). VCF-style: chr11-6615518-A-C. GRCh37 (hg19) VCF-style: chr11-6636749-A-C.
Other names: short protein forms F397C.
Identifiers: ClinVar variation 1744826 (VCV001744826.2), dbSNP rs1431597778, ClinGen allele CA379473038.
Genomic context (GRCh38, chr11:6,615,518, plus strand): 5'-GGGAACACATTGCTGAAGCCACCACCACTGATATAGTCAACAATTTCATTTGTGATGAGG[A>C]AAGGTTCCTGGAAGGATGTGCCTCCCACTGTGGTGACATAGGGGCTGAGGGGAGAAGACA-3'
Protein context (NP_000382.3, residues 387-407): TVGGTSFQEP[Phe397Cys]LITNEIVDYI

ClinVar aggregate classification (germline): Uncertain significance (1 of 4 stars; one submission).

Conditions:
Inborn genetic diseases. Identifiers: MedGen C0950123, MeSH D030342.

Submission:

Ambry Genetics
Classification: Uncertain significance for Inborn genetic diseases. Last evaluated: 2017-12-28. Review status: criteria provided, single submitter. Criteria: Ambry Variant Classification Scheme 2023. Collection method: clinical testing. Allele origin: germline.
Comment: The p.F397C variant (also known as c.1190T>G), located in coding exon 10 of the TPP1 gene, results from a T to G substitution at nucleotide position 1190. The phenylalanine at codon 397 is replaced by cysteine, an amino acid with highly dissimilar properties. This amino acid position is highly conserved in available vertebrate species. In addition, this alteration is predicted to be deleterious by in silico analysis. Since supporting evidence is limited at this time, the clinical significance of this alteration remains unclear.